The following is an entry in ClinVar:

ClinVar aggregate classification (germline): Uncertain significance. Review status: criteria provided, multiple submitters, no conflicts (2 of 4 stars). 2 submissions from 2 submitters: Uncertain significance (2). Last evaluated 2022-10-03.

Conditions:
Inborn genetic diseases. Identifiers: MedGen C0950123, MeSH D030342.

Allele frequency attached by ClinVar (database versions not stated): gnomAD 0.00001; ExAC 0.00004.
gnomAD v4.1: 21 of 1,614,020 alleles (0.0013%); highest among the groups gnomAD compares: Middle Eastern, 0.016%; no homozygotes.

Submissions (2):

Ambry Genetics
Classification: Uncertain significance for Inborn genetic diseases. Last evaluated: 2022-10-03. Review status: criteria provided, single submitter. Criteria: Ambry Variant Classification Scheme 2023. Collection method: clinical testing. Allele origin: germline.

Labcorp Genetics (formerly Invitae), Labcorp
Classification: Uncertain significance. Last evaluated: 2021-10-18. Review status: criteria provided, single submitter. Criteria: Invitae Variant Classification Sherloc (09022015). Collection method: clinical testing. Allele origin: germline.
Comment: In summary, the available evidence is currently insufficient to determine the role of this variant in disease. Therefore, it has been classified as a Variant of Uncertain Significance. Algorithms developed to predict the effect of missense changes on protein structure and function output the following: SIFT: "Not Available"; PolyPhen-2: "Benign"; Align-GVGD: "Not Available". The histidine amino acid residue is found in multiple mammalian species, which suggests that this missense change does not adversely affect protein function. This variant has not been reported in the literature in individuals affected with ANK3-related conditions. This variant is present in population databases (rs749129953, ExAC 0.03%). This sequence change replaces arginine with histidine at codon 3230 of the ANK3 protein (p.Arg3230His). The arginine residue is weakly conserved and there is a small physicochemical difference between arginine and histidine.

NM_020987.5(ANK3):c.9689G>A (p.Arg3230His)

Gene: ANK3 (ankyrin 3; minus strand). Cytogenetic location: 10q21.2.
Variant type: single nucleotide variant.
Coding change: c.9689G>A on transcript NM_020987.5 (MANE Select); coding-DNA position 9689, G replaced by A.
Protein change: p.Arg3230His; replaces arginine 3230 with histidine.
Molecular consequence: missense variant. On other transcripts: intron variant (4).
Genome position (GRCh38, 1-based): chr10:60,071,192, C>T on the plus strand (G>A on the coding strand, the complement: ANK3 is on the minus strand). VCF-style: chr10-60071192-C-T. GRCh37 (hg19) VCF-style: chr10-61830950-C-T.
Other names: c.4388-3183G>A (NM_001204403.2); c.4409-3183G>A (NM_001204404.2); c.4406-3183G>A (NM_001320874.2); c.1808-3183G>A (NM_001149.4); c.9689G>A (NM_020987.3); short protein forms R3230H.
Identifiers: ClinVar variation 1507999 (VCV001507999.7), dbSNP rs749129953, ClinGen allele CA5511347.